The following is an entry in ClinVar:

NM_001080397.3(SLC45A1):c.660C>T (p.Asp220=)

Gene: SLC45A1 (solute carrier family 45 member 1; plus strand). Cytogenetic location: 1p36.23.
Variant type: single nucleotide variant.
Coding change: c.660C>T on transcript NM_001080397.3 (MANE Select); coding-DNA position 660, C replaced by T.
Protein change: p.Asp220=; no amino-acid change (aspartic acid 220 retained).
Molecular consequence: synonymous variant.
Genome position (GRCh38, 1-based): chr1:8,325,987, C>T. VCF-style: chr1-8325987-C-T. GRCh37 (hg19) VCF-style: chr1-8386047-C-T.
Identifiers: ClinVar variation 744301 (VCV000744301.5), dbSNP rs144175783, ClinGen allele CA570155.

ClinVar aggregate classification (germline): Likely benign. Review status: criteria provided, single submitter (1 of 4 stars). 2 submissions from 2 submitters: Likely benign (1). 1 of the submissions does not count toward it. Last evaluated 2018-05-18.

Conditions:
SLC45A1-related disorder. Also called: SLC45A1-related condition.

Allele frequency attached by ClinVar (database versions not stated): gnomAD 0.00001 and 0.00002; ExAC 0.00004; gnomAD exomes 0.00004 and 0.00009; TOPMed 0.00007; ESP Exome Variant Server 0.00015; 1000 Genomes Project 30x 0.00016; 1000 Genomes Project 0.00020.

Submissions (2):

Labcorp Genetics (formerly Invitae), Labcorp
Classification: Likely benign. Last evaluated: 2018-05-18. Review status: criteria provided, single submitter. Criteria: Invitae Variant Classification Sherloc (09022015). Collection method: clinical testing. Allele origin: germline.

PreventionGenetics, part of Exact Sciences
Classification: Likely benign for SLC45A1-related condition. Last evaluated: 2019-02-22. Review status: no assertion criteria provided. Collection method: clinical testing. Allele origin: germline. Not counted in ClinVar's aggregate classification.
Comment: This variant is classified as likely benign based on ACMG/AMP sequence variant interpretation guidelines (Richards et al. 2015 PMID: 25741868, with internal and published modifications).